The following is an entry in ClinVar:

ClinVar aggregate classification (germline): Uncertain significance (1 of 4 stars; one submission).

Conditions:
Progressive sclerosing poliodystrophy (MTDPS4A). Also called: ALPERS PROGRESSIVE INFANTILE POLIODYSTROPHY; NEURONAL DEGENERATION OF CHILDHOOD WITH LIVER DISEASE, PROGRESSIVE; Mitochondrial DNA Depletion Syndrome 4A; Alpers Syndrome; ALPERS DIFFUSE DEGENERATION OF CEREBRAL GRAY MATTER WITH HEPATIC CIRRHOSIS; Alpers-Huttenlocher Syndrome. Identifiers: Orphanet 726, MedGen C0205710, MONDO:0008758, OMIM 203700.

gnomAD v4.1: 1 of 1,614,216 alleles (0.000062%); highest among the groups gnomAD compares: Non-Finnish European, 0.000085%; no homozygotes.

Submission:

Labcorp Genetics (formerly Invitae), Labcorp
Classification: Uncertain significance for Progressive sclerosing poliodystrophy. Last evaluated: 2025-11-03. Review status: criteria provided, single submitter. Criteria: Invitae Variant Classification Sherloc (09022015). Collection method: clinical testing. Allele origin: germline.
Comment: This sequence change replaces leucine, which is neutral and non-polar, with phenylalanine, which is neutral and non-polar, at codon 485 of the POLG protein (p.Leu485Phe). This variant is not present in population databases (gnomAD no frequency). This variant has not been reported in the literature in individuals affected with POLG-related conditions. Invitae Evidence Modeling of protein sequence and biophysical properties (such as structural, functional, and spatial information, amino acid conservation, physicochemical variation, residue mobility, and thermodynamic stability) indicates that this missense variant is expected to disrupt POLG protein function with a positive predictive value of 95%. In summary, the available evidence is currently insufficient to determine the role of this variant in disease. Therefore, it has been classified as a Variant of Uncertain Significance.

NM_002693.3(POLG):c.1453C>T (p.Leu485Phe)

Gene: POLG (DNA polymerase gamma, catalytic subunit; minus strand). Cytogenetic location: 15q26.1.
Variant type: single nucleotide variant.
Coding change: c.1453C>T on transcript NM_002693.3 (MANE Select); coding-DNA position 1453, C replaced by T.
Protein change: p.Leu485Phe; replaces leucine 485 with phenylalanine.
Molecular consequence: missense variant.
Genome position (GRCh38, 1-based): chr15:89,327,044, G>A on the plus strand (C>T on the coding strand, the complement: POLG is on the minus strand). VCF-style: chr15-89327044-G-A. GRCh37 (hg19) VCF-style: chr15-89870275-G-A.
Other names: c.1453C>T, p.Leu485Phe (NM_001126131.2); short protein forms L485F.
Identifiers: ClinVar variation 4810755 (VCV004810755.1).